The following is an entry in ClinVar:

ClinVar aggregate classification (germline): Uncertain significance. Review status: criteria provided, multiple submitters, no conflicts (2 of 4 stars). 4 submissions from 4 submitters: Uncertain significance (4). Last evaluated 2025-11-13.

Conditions:
LOXHD1-related disorder. Also called: LOXHD1-related condition.
Inborn genetic diseases. Identifiers: MedGen C0950123, MeSH D030342.

Allele frequency attached by ClinVar (database versions not stated): gnomAD exomes 0.00001; gnomAD 0.00003; TOPMed 0.00003.
gnomAD v4.1: 21 of 1,551,394 alleles (0.0014%); highest among the groups gnomAD compares: Non-Finnish European, 0.0017%; 1 homozygote.

Submissions (4):

GeneDx
Classification: Uncertain significance. Last evaluated: 2025-11-13. Review status: criteria provided, single submitter. Criteria: GeneDx Variant Classification Process June 2021. Collection method: clinical testing. Allele origin: germline. Affected: yes.
Comment: In silico analysis supports that this missense variant has a deleterious effect on protein structure/function; Has not been previously published as pathogenic or benign to our knowledge

PreventionGenetics, part of Exact Sciences
Classification: Uncertain significance for LOXHD1-related condition. Last evaluated: 2025-09-08. Review status: criteria provided, single submitter. Criteria: ACMG Guidelines, 2015. Collection method: clinical testing. Allele origin: germline.
Comment: The LOXHD1 c.1148G>A variant is predicted to result in the amino acid substitution p.Cys383Tyr. To our knowledge, this variant has not been reported in the literature. An outside laboratory has reported this variant in an individual with LOXHD1-related disorder in ClinVar (ID: 2146014). This variant is reported in 0.0057% of alleles in individuals of African descent in gnomAD. At this time, the clinical significance of this variant is uncertain due to the absence of conclusive functional and genetic evidence.

Labcorp Genetics (formerly Invitae), Labcorp
Classification: Uncertain significance. Last evaluated: 2022-06-01. Review status: criteria provided, single submitter. Criteria: Invitae Variant Classification Sherloc (09022015). Collection method: clinical testing. Allele origin: germline.
Comment: This sequence change replaces cysteine, which is neutral and slightly polar, with tyrosine, which is neutral and polar, at codon 383 of the LOXHD1 protein (p.Cys383Tyr). This variant is present in population databases (no rsID available, gnomAD 0.006%). This missense change has been observed in individual(s) with LOXHD1-related conditions (Invitae). Algorithms developed to predict the effect of missense changes on protein structure and function are either unavailable or do not agree on the potential impact of this missense change (SIFT: "Deleterious"; PolyPhen-2: "Benign"; Align-GVGD: "Class C0"). In summary, the available evidence is currently insufficient to determine the role of this variant in disease. Therefore, it has been classified as a Variant of Uncertain Significance.

Ambry Genetics
Classification: Uncertain significance for Inborn genetic diseases. Last evaluated: 2021-09-15. Review status: criteria provided, single submitter. Criteria: Ambry Variant Classification Scheme 2023. Collection method: clinical testing. Allele origin: germline.

NM_001384474.1(LOXHD1):c.1148G>A (p.Cys383Tyr)

Gene: LOXHD1 (lipoxygenase homology PLAT domains 1; minus strand). Cytogenetic location: 18q21.1.
Variant type: single nucleotide variant.
Coding change: c.1148G>A on transcript NM_001384474.1 (MANE Select); coding-DNA position 1148, G replaced by A.
Protein change: p.Cys383Tyr; replaces cysteine 383 with tyrosine.
Molecular consequence: missense variant.
Genome position (GRCh38, 1-based): chr18:46,594,453, C>T on the plus strand (G>A on the coding strand, the complement: LOXHD1 is on the minus strand). VCF-style: chr18-46594453-C-T. GRCh37 (hg19) VCF-style: chr18-44174416-C-T.
Other names: c.1148G>A, p.Cys383Tyr (NM_144612.7); c.1148G>A (NM_144612.6); short protein forms C383Y.
Identifiers: ClinVar variation 2146014 (VCV002146014.5), dbSNP rs1447831081, ClinGen allele CA402381194.